The following is an entry in ClinVar:

NM_000256.3(MYBPC3):c.852-2A>T

Gene: MYBPC3 (myosin binding protein C3; minus strand). Cytogenetic location: 11p11.2.
Variant type: single nucleotide variant.
Coding change: c.852-2A>T on transcript NM_000256.3 (MANE Select); the canonical splice acceptor site of the intron before coding-DNA position 852, A replaced by T.
Molecular consequence: splice acceptor variant.
Genome position (GRCh38, 1-based): chr11:47,347,481, T>A on the plus strand (A>T on the coding strand, the complement: MYBPC3 is on the minus strand). VCF-style: chr11-47347481-T-A. GRCh37 (hg19) VCF-style: chr11-47369032-T-A.
Identifiers: ClinVar variation 4076442 (VCV004076442.2).

ClinVar aggregate classification (germline): Likely pathogenic. Review status: criteria provided, multiple submitters, no conflicts (2 of 4 stars). 2 submissions from 2 submitters: Likely pathogenic (2). Last evaluated 2025-05-27.

Conditions:
MYBPC3-related disorder. Also called: MYBPC3-related disorders; MYBPC3-related condition; MYBPC3-related disease.
Cardiovascular phenotype. Identifiers: MedGen CN230736.

Submissions (2):

Molecular Diagnostic Laboratory for Inherited Cardiovascular Disease, Montreal Heart Institute
Classification: Likely pathogenic for Cardiovascular phenotype. Last evaluated: 2025-05-27. Review status: criteria provided, single submitter. Criteria: ACMG Guidelines, 2015. Collection method: clinical testing. Allele origin: germline. Affected: yes.
Comment: PVS1_strong, PM2

Blueprint Genetics
Classification: Likely pathogenic for MYBPC3-related disorders. Last evaluated: 2023-05-08. Review status: criteria provided, single submitter. Criteria: ACMG Guidelines, 2015. Collection method: clinical testing. Allele origin: germline. Affected: yes. Observed: 1 variant allele.